The following is an entry in ClinVar:

ClinVar aggregate classification (germline): Pathogenic/Likely pathogenic. Review status: criteria provided, multiple submitters, no conflicts (2 of 4 stars). 4 submissions from 4 submitters: Pathogenic (1); Likely pathogenic (3). Last evaluated 2026-02-10.

Conditions:
Hereditary cancer-predisposing syndrome. Also called: Neoplastic Syndromes, Hereditary; Hereditary Cancer Syndrome; Tumor predisposition; Hereditary neoplastic syndrome. Identifiers: Orphanet 140162, MedGen C0027672, MeSH D009386, MONDO:0015356.
Familial cancer of breast. Also called: Hereditary breast cancer; BREAST CANCER, FAMILIAL; hereditary breast carcinoma. Identifiers: Orphanet 227535, MedGen C0346153, MONDO:0016419, OMIM 114480. Disease mechanism: loss of function.
Ataxia-telangiectasia syndrome (AT). Also called: LOUIS-BAR SYNDROME; Cerebello-oculocutaneous telangiectasia; Immunodeficiency with ataxia telangiectasia; Ataxia-telangiectasia, complementation group D; AT, COMPLEMENTATION GROUP C; Ataxia-telangiectasia, complementation group E. Identifiers: Orphanet 100, MedGen C0004135, MONDO:0008840, OMIM 208900.

Submissions (4):

Ambry Genetics
Classification: Likely pathogenic for Hereditary cancer-predisposing syndrome. Last evaluated: 2026-02-10. Review status: criteria provided, single submitter. Criteria: Ambry Variant Classification Scheme 2023. Collection method: clinical testing. Allele origin: germline.
Comment: The c.6198+2T>C intronic variant results from a T to C substitution two nucleotides after coding exon 41 in the ATM gene. This nucleotide position is highly conserved in available vertebrate species. In silico splice site analysis predicts that this alteration will weaken the native splice donor site. RNA studies have demonstrated that this variant results in abnormal splicing in the set of samples tested (Ambry internal data). This variant is considered to be rare based on population cohorts in the Genome Aggregation Database (gnomAD). Variants that disrupt the canonical splice site are expected to cause aberrant splicing, resulting in an abnormal protein or a transcript that is subject to nonsense-mediated mRNA decay. As such, this variant is classified as likely pathogenic.

Labcorp Genetics (formerly Invitae), Labcorp
Classification: Pathogenic for Ataxia-telangiectasia syndrome. Last evaluated: 2024-05-15. Review status: criteria provided, single submitter. Criteria: Invitae Variant Classification Sherloc (09022015). Collection method: clinical testing. Allele origin: germline.
Comment: This sequence change affects a donor splice site in intron 42 of the ATM gene. It is expected to disrupt RNA splicing. Variants that disrupt the donor or acceptor splice site typically lead to a loss of protein function (PMID: 16199547), and loss-of-function variants in ATM are known to be pathogenic (PMID: 23807571, 25614872). This variant is not present in population databases (gnomAD no frequency). Disruption of this splice site has been observed in individuals with ataxia-telangiectasia (PMID: 21459046, 26220245, 26915675). ClinVar contains an entry for this variant (Variation ID: 453617). Algorithms developed to predict the effect of sequence changes on RNA splicing suggest that this variant may disrupt the consensus splice site. For these reasons, this variant has been classified as Pathogenic.

Myriad Genetics, Inc.
Classification: Likely pathogenic for Familial cancer of breast. Last evaluated: 2024-01-29. Review status: criteria provided, single submitter. Criteria: Myriad Autosomal Dominant, Autosomal Recessive and X-Linked Classification Criteria (2023). Collection method: clinical testing. Allele origin: unknown.
Comment: This variant is considered likely pathogenic. This variant occurs within a consensus splice junction and is predicted to result in abnormal mRNA splicing of either an out-of-frame exon or an in-frame exon necessary for protein stability and/or normal function.

Juno Genomics, Hangzhou Juno Genomics, Inc
Classification: Likely pathogenic for Familial cancer of breast; Ataxia-telangiectasia syndrome. Review status: criteria provided, single submitter. Criteria: ACMG Guidelines, 2015. Collection method: clinical testing. Allele origin: germline.
Comment: Absent from controls (or at extremely low frequency if recessive) in Genome Aggregation Database.;Null variant in a gene where loss of function (LOF) is a known mechanism of disease.

Literature cited by the submitters: PubMed 16199547 (cited by Labcorp Genetics (formerly Invitae), Labcorp); PubMed 23807571 (cited by Labcorp Genetics (formerly Invitae), Labcorp); PubMed 25614872 (cited by Labcorp Genetics (formerly Invitae), Labcorp); PubMed 21459046 (cited by Labcorp Genetics (formerly Invitae), Labcorp); PubMed 26220245 (cited by Labcorp Genetics (formerly Invitae), Labcorp); PubMed 26915675 (cited by Labcorp Genetics (formerly Invitae), Labcorp).

NM_000051.4(ATM):c.6198+2T>C

Genes: ATM (ATM serine/threonine kinase; plus strand), C11orf65 (chromosome 11 open reading frame 65; minus strand). Cytogenetic location: 11q22.3.
Variant type: single nucleotide variant.
Coding change: c.6198+2T>C on transcript NM_000051.4 (MANE Select); the canonical splice donor site of the intron after coding-DNA position 6198, T replaced by C.
Molecular consequence: splice donor variant. On other transcripts: intron variant (2).
Genome position (GRCh38, 1-based): chr11:108,316,115, T>C. VCF-style: chr11-108316115-T-C. GRCh37 (hg19) VCF-style: chr11-108186842-T-C.
Other names: c.6198+2T>C (NM_001351834.2); c.641-7044A>G (NM_001330368.2); c.*39-7044A>G (NM_001351110.2).
Identifiers: ClinVar variation 453617 (VCV000453617.11), dbSNP rs1555113882, ClinGen allele CA382550826.